The following is an entry in ClinVar:

ClinVar aggregate classification (germline): Likely pathogenic. Review status: criteria provided, multiple submitters, no conflicts (2 of 4 stars). 2 submissions from 2 submitters: Likely pathogenic (2). Last evaluated 2025-12-17.

Conditions:
Cardiovascular phenotype. Identifiers: MedGen CN230736.
Dilated cardiomyopathy 1G (CMD1G). Identifiers: Orphanet 154, MedGen C1858763, MONDO:0011400, OMIM 604145.
Autosomal recessive limb-girdle muscular dystrophy type 2J (LGMDR10). Also called: Limb-girdle muscular dystrophy, type 2J; MUSCULAR DYSTROPHY, LIMB-GIRDLE, AUTOSOMAL RECESSIVE 10. Identifiers: Orphanet 140922, MedGen C1837342, MONDO:0012127, OMIM 608807.

Submissions (2):

Labcorp Genetics (formerly Invitae), Labcorp
Classification: Likely pathogenic for Dilated cardiomyopathy 1G; Autosomal recessive limb-girdle muscular dystrophy type 2J. Last evaluated: 2025-12-17. Review status: criteria provided, single submitter. Criteria: Invitae Variant Classification Sherloc (09022015). Collection method: clinical testing. Allele origin: germline.
Comment: This sequence change creates a premature translational stop signal (p.Pro20611Thrfs*15) in the TTN gene. While this is not anticipated to result in nonsense mediated decay, it is expected to create a truncated TTN protein. This variant is not present in population databases (gnomAD no frequency). This variant has not been reported in the literature in individuals affected with TTN-related conditions. ClinVar contains an entry for this variant (Variation ID: 1067071). This variant is located in the A band of TTN (PMID: 25589632). Truncating variants in this region are significantly overrepresented in patients affected with dilated cardiomyopathy (PMID: 25589632). Truncating variants in this region have also been reported in individuals affected with autosomal recessive centronuclear myopathy (PMID: 23975875). In summary, the currently available evidence indicates that the variant is pathogenic, but additional data are needed to prove that conclusively. Therefore, this variant has been classified as Likely Pathogenic.

Ambry Genetics
Classification: Likely pathogenic for Cardiovascular phenotype. Last evaluated: 2024-04-08. Review status: criteria provided, single submitter. Criteria: Ambry Variant Classification Scheme 2023. Collection method: clinical testing. Allele origin: germline.
Comment: The c.34635dupA variant, located in coding exon 131 of the TTN gene, results from a duplication of A at nucleotide position 34635, causing a translational frameshift with a predicted alternate stop codon (p.P11546Tfs*15). This exon is located in the A-band region of the N2-B isoform of the titin protein and is constitutively expressed in TTN transcripts (percent spliced in or PSI 100%). This variant is considered to be rare based on population cohorts in the Genome Aggregation Database (gnomAD). This alteration is expected to result in loss of function by premature protein truncation or nonsense-mediated mRNA decay. While truncating variants in TTN are present in 1-3% of the general population, truncating variants in the A-band are the most common cause of dilated cardiomyopathy (DCM) (Herman DS et al. N. Engl. J. Med., 2012 Feb;366:619-28; Roberts AM et al. Sci Transl Med, 2015 Jan;7:270ra6). TTN truncating variants encoded in constitutive exons (PSI >90%) have been found to be significantly associated with DCM regardless of their position in titin (Schafer S et al. Nat. Genet., 2017 01;49:46-53). Based on the majority of available evidence to date, this variant is likely to be pathogenic.

Literature cited by the submitters: PubMed 25589632 (cited by Labcorp Genetics (formerly Invitae), Labcorp); PubMed 23975875 (cited by Labcorp Genetics (formerly Invitae), Labcorp).

NM_001267550.2(TTN):c.61830dup (p.Pro20611fs)

Genes: TTN-AS1 (TTN antisense RNA 1; plus strand), TTN (titin; minus strand). Cytogenetic location: 2q31.2.
Variant type: Duplication.
Coding change: c.61830dup on transcript NM_001267550.2 (MANE Select); coding-DNA position 61830, one base duplicated (A; older notation c.61830dupA).
Protein change: p.Pro20611fs; shifts the reading frame from proline 20611.
Molecular consequence: frameshift variant.
Genome position (GRCh38, 1-based): chr2:178,589,895, T duplicated on the plus strand (A on the coding strand, the reverse complement: TTN is on the minus strand); the first of 3 consecutive T bases (chr2:178,589,895-178,589,897); duplicating any one gives the same sequence. VCF-style (leftmost placement, unchanged base first): chr2-178589894-G-GT. GRCh37 (hg19) VCF-style: chr2-179454621-G-GT.
Other names: c.56907dup, p.Pro18970fs (NM_001256850.1); c.34635dup, p.Pro11546fs (NM_003319.4); c.54126dup, p.Pro18043fs (NM_133378.4); c.35010dup, p.Pro11671fs (NM_133432.3); c.35211dup, p.Pro11738fs (NM_133437.4); c.34635dupA (NM_003319.4); short protein forms P11546fs, P11671fs, P11738fs, P18043fs, P18970fs, P20611fs.
Identifiers: ClinVar variation 1067071 (VCV001067071.6), dbSNP rs2154184083, ClinGen allele CA2499215401.
Genomic context (GRCh38, chr2:178,589,894, plus strand): 5'-TGGCCTTGATTAATCGTTTAGTGACATCTGATGCAACAATTGACCAGCCTTTCTGGTTTG[G>GT]TTTGCGATATTCTACTATGAAGTTTGTTATTTCTGAGCCACCATTATCTAGTGGGTTTTC-3'